The following is an entry in ClinVar:

NM_080425.4(GNAS):c.1629G>A (p.Pro543=)

Gene: GNAS (GNAS complex locus; plus strand). Cytogenetic location: 20q13.32.
Variant type: single nucleotide variant.
Coding change: c.1629G>A on transcript NM_080425.4 (MANE Plus Clinical); coding-DNA position 1629, G replaced by A.
Protein change: p.Pro543=; no amino-acid change (proline 543 retained).
Molecular consequence: synonymous variant. On other transcripts: missense variant (2), intron variant (3).
Genome position (GRCh38, 1-based): chr20:58,854,894, G>A. VCF-style: chr20-58854894-G-A. GRCh37 (hg19) VCF-style: chr20-57429949-G-A.
Other names: c.1442G>A, p.Arg481His (NM_001077490.3, NM_001309883.1); c.1629G>A, p.Pro543= (NM_001410913.1); c.*42+14008G>A (NM_016592.5); c.43+14008G>A (NM_001410912.1); c.-39+13019G>A (NM_001309861.2); short protein forms R481H.
Identifiers: ClinVar variation 3053476 (VCV003053476.3), dbSNP rs2086390703, ClinGen allele CA409461297.

ClinVar aggregate classification (germline): Uncertain significance (1 of 4 stars; one submission).

Conditions:
GNAS-related disorder. Identifiers: MedGen CN380105.

Allele frequency attached by ClinVar (database versions not stated): gnomAD exomes below 0.00001; TOPMed 0.00001.
gnomAD v4.1: 6 of 1,594,254 alleles (0.00038%); highest among the groups gnomAD compares: Admixed American, 0.0034%; no homozygotes.

Submission:

PreventionGenetics, part of Exact Sciences
Classification: Uncertain significance for GNAS-related condition. Last evaluated: 2026-04-17. Review status: criteria provided, single submitter. Criteria: ACMG Guidelines, 2015. Collection method: clinical testing. Allele origin: germline.
Comment: The GNAS c.1442G>A variant is predicted to result in the amino acid substitution p.Arg481His. This variant occurs in a pre-coding position in the primary transcript for this gene (NM_000516:c.-36833G>A). To our knowledge, this variant has not been reported in the literature or in a large population database (gnomAD), indicating this variant is rare. At this time, the clinical significance of this variant is uncertain due to the absence of conclusive functional and genetic evidence.